The following is an entry in ClinVar:

NM_004456.5(EZH2):c.1879G>T (p.Ala627Ser)

Gene: EZH2 (enhancer of zeste 2 polycomb repressive complex 2 subunit; minus strand). Cytogenetic location: 7q36.1.
Variant type: single nucleotide variant.
Coding change: c.1879G>T on transcript NM_004456.5 (MANE Select); coding-DNA position 1879, G replaced by T.
Protein change: p.Ala627Ser; replaces alanine 627 with serine.
Molecular consequence: missense variant.
Genome position (GRCh38, 1-based): chr7:148,811,693, C>A on the plus strand (G>T on the coding strand, the complement: EZH2 is on the minus strand). VCF-style: chr7-148811693-C-A. GRCh37 (hg19) VCF-style: chr7-148508785-C-A.
Other names: c.1864G>T, p.Ala622Ser (NM_001203247.2); c.1837G>T, p.Ala613Ser (NM_001203248.2); c.1711G>T, p.Ala571Ser (NM_001203249.2); c.1747G>T, p.Ala583Ser (NM_152998.3); short protein forms A622S, A583S, A571S, A613S, A627S.
Identifiers: ClinVar variation 2166999 (VCV002166999.4), dbSNP rs2129469058, ClinGen allele CA369713166.

ClinVar aggregate classification (germline): Uncertain significance (1 of 4 stars; one submission).

Conditions:
Weaver syndrome (WVS). Also called: Weaver Smith syndrome; Overgrowth syndrome with accelerated skeletal maturation, unusual facies, and camptodactyly. Identifiers: Orphanet 3447, MedGen C0265210, MONDO:0010193, OMIM 277590.

Submission:

Labcorp Genetics (formerly Invitae), Labcorp
Classification: Uncertain significance for Weaver syndrome. Last evaluated: 2022-08-27. Review status: criteria provided, single submitter. Criteria: Invitae Variant Classification Sherloc (09022015). Collection method: clinical testing. Allele origin: germline.
Comment: In summary, the available evidence is currently insufficient to determine the role of this variant in disease. Therefore, it has been classified as a Variant of Uncertain Significance. Advanced modeling of protein sequence and biophysical properties (such as structural, functional, and spatial information, amino acid conservation, physicochemical variation, residue mobility, and thermodynamic stability) performed at Invitae indicates that this missense variant is expected to disrupt EZH2 protein function. This variant has not been reported in the literature in individuals affected with EZH2-related conditions. This variant is not present in population databases (gnomAD no frequency). This sequence change replaces alanine, which is neutral and non-polar, with serine, which is neutral and polar, at codon 627 of the EZH2 protein (p.Ala627Ser).